The following is an entry in ClinVar:

ClinVar aggregate classification (germline): Conflicting classifications of pathogenicity. Review status: criteria provided, conflicting classifications (1 of 4 stars). 3 submissions from 3 submitters: Uncertain significance (1); Benign (1). 1 of the submissions does not count toward it. Last evaluated 2024-07-12.

Conditions:
Retinal dystrophy. Also called: Inherited retinal dystrophy. Identifiers: Orphanet 71862, MedGen C0854723, MeSH D058499, MONDO:0019118, HP:0000556.
Cone-rod dystrophy 2 (CORD2). Also called: CONE-ROD RETINAL DYSTROPHY; Cone-rod retinal dystrophy 2. Identifiers: Orphanet 1872, MedGen C3489532, MONDO:0007362, OMIM 120970.
Leber congenital amaurosis 7 (LCA7). Identifiers: Orphanet 65, MedGen C3151192, MONDO:0013449, OMIM 613829.
Retinitis pigmentosa (RP). Identifiers: Orphanet 791, MedGen C0035334, MeSH D012174, MONDO:0019200, OMIM 268000. Inheritance: Autosomal dominant, autosomal recessive and X linked inheritance.

Allele frequency attached by ClinVar (database versions not stated): gnomAD exomes 0.00001; ExAC 0.00003.
gnomAD v4.1: 8 of 1,613,296 alleles (0.0005%); highest among the groups gnomAD compares: East Asian, 0.018%; no homozygotes.

Submissions (3):

Labcorp Genetics (formerly Invitae), Labcorp
Classification: Uncertain significance for Cone-rod dystrophy 2; Leber congenital amaurosis 7. Last evaluated: 2024-07-12. Review status: criteria provided, single submitter. Criteria: Invitae Variant Classification Sherloc (09022015). Collection method: clinical testing. Allele origin: germline.
Comment: This sequence change replaces leucine, which is neutral and non-polar, with phenylalanine, which is neutral and non-polar, at codon 299 of the CRX protein (p.Leu299Phe). This variant is present in population databases (rs527236063, gnomAD 0.02%). This missense change has been observed in individual(s) with retinal degeneration (PMID: 25324289). ClinVar contains an entry for this variant (Variation ID: 143086). Advanced modeling of protein sequence and biophysical properties (such as structural, functional, and spatial information, amino acid conservation, physicochemical variation, residue mobility, and thermodynamic stability) performed at Invitae indicates that this missense variant is expected to disrupt CRX protein function with a positive predictive value of 80%. In summary, the available evidence is currently insufficient to determine the role of this variant in disease. Therefore, it has been classified as a Variant of Uncertain Significance.

Dept Of Ophthalmology, Nagoya University
Classification: Benign for Retinal dystrophy. Last evaluated: 2023-10-01. Review status: criteria provided, single submitter. Criteria: Submitter's publication. Collection method: research. Allele origin: germline. Affected: yes.

Department of Ophthalmology and Visual Sciences Kyoto University
Classification: Likely pathogenic for Retinitis pigmentosa. Review status: no assertion criteria provided. Collection method: not provided. Allele origin: unknown. Not counted in ClinVar's aggregate classification.
ClinVar note: Converted during submission from probable-pathogenic to Likely pathogenic.

Literature cited by the submitters: PubMed 25324289 (cited by Labcorp Genetics (formerly Invitae), Labcorp).

NM_000554.6(CRX):c.897G>C (p.Leu299Phe)

Gene: CRX (cone-rod homeobox; plus strand). Cytogenetic location: 19q13.33.
Variant type: single nucleotide variant.
Coding change: c.897G>C on transcript NM_000554.6 (MANE Select); coding-DNA position 897, G replaced by C.
Protein change: p.Leu299Phe; replaces leucine 299 with phenylalanine.
Molecular consequence: missense variant.
Genome position (GRCh38, 1-based): chr19:47,839,964, G>C. VCF-style: chr19-47839964-G-C. GRCh37 (hg19) VCF-style: chr19-48343221-G-C.
Other names: short protein forms L299F.
Identifiers: ClinVar variation 143086 (VCV000143086.5), dbSNP rs527236063, ClinGen allele CA270029.